The following is an entry in ClinVar:

ClinVar aggregate classification (germline): Uncertain significance. Review status: criteria provided, multiple submitters, no conflicts (2 of 4 stars). 2 submissions from 2 submitters: Uncertain significance (2). Last evaluated 2025-08-14.

Allele frequency attached by ClinVar (database versions not stated): gnomAD exomes below 0.00001.
gnomAD v4.1: 2 of 1,560,006 alleles (0.00013%); highest among the groups gnomAD compares: Non-Finnish European, 0.00017%; no homozygotes.

Submissions (2):

Ambry Genetics
Classification: Uncertain significance. Last evaluated: 2025-08-14. Review status: criteria provided, single submitter. Criteria: Ambry Variant Classification Scheme 2023. Collection method: clinical testing. Allele origin: germline.

Labcorp Genetics (formerly Invitae), Labcorp
Classification: Uncertain significance. Last evaluated: 2022-06-28. Review status: criteria provided, single submitter. Criteria: Invitae Variant Classification Sherloc (09022015). Collection method: clinical testing. Allele origin: germline.
Comment: This sequence change replaces tyrosine, which is neutral and polar, with cysteine, which is neutral and slightly polar, at codon 953 of the CCDC88A protein (p.Tyr953Cys). The frequency data for this variant in the population databases is considered unreliable, as metrics indicate poor data quality at this position in the gnomAD database. This variant has not been reported in the literature in individuals affected with CCDC88A-related conditions. Algorithms developed to predict the effect of missense changes on protein structure and function are either unavailable or do not agree on the potential impact of this missense change (SIFT: "Tolerated"; PolyPhen-2: "Probably Damaging"; Align-GVGD: "Class C0"). In summary, the available evidence is currently insufficient to determine the role of this variant in disease. Therefore, it has been classified as a Variant of Uncertain Significance.

NM_001365480.1(CCDC88A):c.2861A>G (p.Tyr954Cys)

Gene: CCDC88A (coiled-coil and HOOK domain protein 88A; minus strand). Cytogenetic location: 2p16.1.
Variant type: single nucleotide variant.
Coding change: c.2861A>G on transcript NM_001365480.1 (MANE Select); coding-DNA position 2861, A replaced by G.
Protein change: p.Tyr954Cys; replaces tyrosine 954 with cysteine.
Molecular consequence: missense variant.
Genome position (GRCh38, 1-based): chr2:55,328,430, T>C on the plus strand (A>G on the coding strand, the complement: CCDC88A is on the minus strand). VCF-style: chr2-55328430-T-C. GRCh37 (hg19) VCF-style: chr2-55555566-T-C.
Other names: c.2858A>G, p.Tyr953Cys (NM_001135597.2, NM_001254943.2); c.2861A>G, p.Tyr954Cys (NM_018084.5); c.2858A>G (NM_001135597.1); short protein forms Y953C, Y954C.
Identifiers: ClinVar variation 1973398 (VCV001973398.3), dbSNP rs1273588959, ClinGen allele CA346896135.